The following is an entry in ClinVar:

ClinVar aggregate classification (germline): Uncertain significance. Review status: criteria provided, multiple submitters, no conflicts (2 of 4 stars). 2 submissions from 2 submitters: Uncertain significance (2). Last evaluated 2024-12-28.

Allele frequency attached by ClinVar (database versions not stated): TOPMed 0.00001; gnomAD 0.00002; gnomAD exomes 0.00002.
gnomAD v4.1: 39 of 1,605,332 alleles (0.0024%); highest among the groups gnomAD compares: Middle Eastern, 0.017%; no homozygotes.

Submissions (2):

Ambry Genetics
Classification: Uncertain significance. Last evaluated: 2024-12-28. Review status: criteria provided, single submitter. Criteria: Ambry Variant Classification Scheme 2023. Collection method: clinical testing. Allele origin: germline.

Labcorp Genetics (formerly Invitae), Labcorp
Classification: Uncertain significance. Last evaluated: 2023-12-22. Review status: criteria provided, single submitter. Criteria: Invitae Variant Classification Sherloc (09022015). Collection method: clinical testing. Allele origin: germline.
Comment: This sequence change replaces aspartic acid, which is acidic and polar, with asparagine, which is neutral and polar, at codon 94 of the NAF1 protein (p.Asp94Asn). This variant is present in population databases (rs754543501, gnomAD 0.006%). This variant has not been reported in the literature in individuals affected with NAF1-related conditions. ClinVar contains an entry for this variant (Variation ID: 2176512). Algorithms developed to predict the effect of missense changes on protein structure and function output the following: SIFT: "Not Available"; PolyPhen-2: "Benign"; Align-GVGD: "Not Available". The asparagine amino acid residue is found in multiple mammalian species, which suggests that this missense change does not adversely affect protein function. In summary, the available evidence is currently insufficient to determine the role of this variant in disease. Therefore, it has been classified as a Variant of Uncertain Significance.

NM_138386.3(NAF1):c.280G>A (p.Asp94Asn)

Gene: NAF1 (nuclear assembly factor 1 ribonucleoprotein; minus strand). Cytogenetic location: 4q32.2.
Variant type: single nucleotide variant.
Coding change: c.280G>A on transcript NM_138386.3 (MANE Select); coding-DNA position 280, G replaced by A.
Protein change: p.Asp94Asn; replaces aspartic acid 94 with asparagine.
Molecular consequence: missense variant.
Genome position (GRCh38, 1-based): chr4:163,166,448, C>T on the plus strand (G>A on the coding strand, the complement: NAF1 is on the minus strand). VCF-style: chr4-163166448-C-T. GRCh37 (hg19) VCF-style: chr4-164087600-C-T.
Other names: c.280G>A, p.Asp94Asn (NM_001128931.2); c.280G>A (NM_138386.2); short protein forms D94N.
Identifiers: ClinVar variation 2176512 (VCV002176512.5), dbSNP rs754543501, ClinGen allele CA3126431.